The following is an entry in ClinVar:

NM_000535.7(PMS2):c.1886T>G (p.Ile629Arg)

Gene: PMS2 (PMS1 homolog 2, mismatch repair system component; minus strand). Cytogenetic location: 7p22.1.
Variant type: single nucleotide variant.
Coding change: c.1886T>G on transcript NM_000535.7 (MANE Select); coding-DNA position 1886, T replaced by G.
Protein change: p.Ile629Arg; replaces isoleucine 629 with arginine.
Molecular consequence: missense variant. On other transcripts: non-coding transcript variant (1), intron variant (1).
Genome position (GRCh38, 1-based): chr7:5,986,879, A>C on the plus strand (T>G on the coding strand, the complement: PMS2 is on the minus strand). VCF-style: chr7-5986879-A-C. GRCh37 (hg19) VCF-style: chr7-6026510-A-C.
Other names: c.1421T>G, p.Ile474Arg (NM_001406900.1); c.1412T>G, p.Ile471Arg (NM_001406901.1, NM_001406902.1); c.1568T>G, p.Ile523Arg (NM_001406903.1, NM_001406883.1, NM_001406876.1 and 2 more transcripts); c.1373T>G, p.Ile458Arg (NM_001406904.1, NM_001406905.1); c.1325T>G, p.Ile442Arg (NM_001406906.1, NM_001406907.1, NM_001322010.2); c.1481T>G, p.Ile494Arg (NM_001406908.1, NM_001406891.1, NM_001406892.1 and 16 more transcripts); c.1313T>G, p.Ile438Arg (NM_001406909.1, NM_001322013.2); c.1115T>G, p.Ile372Arg (NM_001406911.1); and 13 more; short protein forms I318R, I372R, I438R, I442R, I458R, I471R, I474R, I494R.
Identifiers: ClinVar variation 5020112 (VCV005020112.1).
Genomic context (GRCh38, chr7:5,986,879, plus strand): 5'-CTAAACTTCCTGTAATTCTGTTCCCCTTCACTTTGCTGTGCTTCATGATGTAACTGCTTT[A>C]TTCGTTTAGCTAAAGAACTCATAGAAAAGTCCAGGGGCACAACTTTCTTATTAATTTTCA-3'
Protein context (NP_000526.2, residues 619-639): DFSMSSLAKR[Ile629Arg]KQLHHEAQQS

ClinVar aggregate classification (germline): Uncertain significance (1 of 4 stars; one submission).

Submission:

Dasa
Classification: Uncertain significance. Last evaluated: 2026-08-12. Review status: criteria provided, single submitter. Criteria: DASA Assertion Criteria. Collection method: clinical testing. Allele origin: germline.
Comment: NM_000535.7(PMS2):c.1886T>G (p.Ile629Arg) is a missense variant that results in the substitution of isoleucine with arginine. This variant is rare in population databases. Computational prediction algorithms are consistent with a benign effect. The currently available literature and clinical evidence are not sufficient to establish a definitive association between this variant and the reported condition. Therefore, this variant is classified as a variant of uncertain significance.